The following is an entry in ClinVar:

NM_181486.4(TBX5):c.10G>A (p.Ala4Thr)

Gene: TBX5 (T-box transcription factor 5; minus strand). Cytogenetic location: 12q24.21.
Variant type: single nucleotide variant.
Coding change: c.10G>A on transcript NM_181486.4 (MANE Select); coding-DNA position 10, G replaced by A.
Protein change: p.Ala4Thr; replaces alanine 4 with threonine.
Molecular consequence: missense variant. On other transcripts: intron variant (1).
Genome position (GRCh38, 1-based): chr12:114,403,889, C>T on the plus strand (G>A on the coding strand, the complement: TBX5 is on the minus strand). VCF-style: chr12-114403889-C-T. GRCh37 (hg19) VCF-style: chr12-114841694-C-T.
Other names: c.10G>A, p.Ala4Thr (NM_000192.3); c.-3-1969G>A (NM_080717.4); short protein forms A4T.
Identifiers: ClinVar variation 1361239 (VCV001361239.7), dbSNP rs1319312312, ClinGen allele CA386863691.

ClinVar aggregate classification (germline): Uncertain significance (1 of 4 stars; one submission).

Conditions:
Aortic valve disease 2 (AOVD2). Identifiers: MedGen C3542024, MONDO:0013902, OMIM 614823.

Submission:

Labcorp Genetics (formerly Invitae), Labcorp
Classification: Uncertain significance for Aortic valve disease 2. Last evaluated: 2022-06-27. Review status: criteria provided, single submitter. Criteria: Invitae Variant Classification Sherloc (09022015). Collection method: clinical testing. Allele origin: germline.
Comment: In summary, the available evidence is currently insufficient to determine the role of this variant in disease. Therefore, it has been classified as a Variant of Uncertain Significance. Advanced modeling of protein sequence and biophysical properties (such as structural, functional, and spatial information, amino acid conservation, physicochemical variation, residue mobility, and thermodynamic stability) performed at Invitae indicates that this missense variant is not expected to disrupt TBX5 protein function. This variant has not been reported in the literature in individuals affected with TBX5-related conditions. This variant is not present in population databases (gnomAD no frequency). This sequence change replaces alanine, which is neutral and non-polar, with threonine, which is neutral and polar, at codon 4 of the TBX5 protein (p.Ala4Thr).